The following is an entry in ClinVar:

NM_001876.4(CPT1A):c.1152C>T (p.Thr384=)

Gene: CPT1A (carnitine palmitoyltransferase 1A; minus strand). Cytogenetic location: 11q13.3.
Variant type: single nucleotide variant.
Coding change: c.1152C>T on transcript NM_001876.4 (MANE Select); coding-DNA position 1152, C replaced by T.
Protein change: p.Thr384=; no amino-acid change (threonine 384 retained).
Molecular consequence: synonymous variant.
Genome position (GRCh38, 1-based): chr11:68,784,826, G>A on the plus strand (C>T on the coding strand, the complement: CPT1A is on the minus strand). VCF-style: chr11-68784826-G-A. GRCh37 (hg19) VCF-style: chr11-68552294-G-A.
Other names: c.1152C>T, p.Thr384= (NM_001031847.3); c.1152C>T (NM_001876.3).
Identifiers: ClinVar variation 1154073 (VCV001154073.10), dbSNP rs765003303, ClinGen allele CA6152408.

ClinVar aggregate classification (germline): Likely benign. Review status: criteria provided, multiple submitters, no conflicts (2 of 4 stars). 2 submissions from 2 submitters: Likely benign (2). Last evaluated 2025-12-11.

Conditions:
CPT1A-related disorder. Also called: CPT1A-related condition.
Carnitine palmitoyl transferase 1A deficiency. Also called: CPT deficiency, hepatic, type IA; CPT I DEFICIENCY; CPT DEFICIENCY, HEPATIC, TYPE I; Carnitine palmitoyltransferase type I deficiency; Carnitine palmitoyltransferase 1A deficiency. Identifiers: Orphanet 156, MedGen C1829703, MONDO:0009705, OMIM 255120.

Allele frequency attached by ClinVar (database versions not stated): gnomAD exomes 0.00001; ExAC 0.00002; TOPMed 0.00002; gnomAD 0.00003.
gnomAD v4.1: 14 of 1,609,976 alleles (0.00087%); highest among the groups gnomAD compares: Admixed American, 0.0017%; no homozygotes.

Submissions (2):

PreventionGenetics, part of Exact Sciences
Classification: Likely benign for CPT1A-related condition. Last evaluated: 2025-12-11. Review status: criteria provided, single submitter. Criteria: ACMG Guidelines, 2015. Collection method: clinical testing. Allele origin: germline.
Comment: This variant is classified as likely benign based on ACMG/AMP sequence variant interpretation guidelines (Richards et al. 2015 PMID: 25741868, with internal and published modifications).

Labcorp Genetics (formerly Invitae), Labcorp
Classification: Likely benign for Carnitine palmitoyl transferase 1A deficiency. Last evaluated: 2024-09-16. Review status: criteria provided, single submitter. Criteria: Invitae Variant Classification Sherloc (09022015). Collection method: clinical testing. Allele origin: germline.